The following is an entry in ClinVar:

NM_005413.4(SIX3):c.890C>T (p.Pro297Leu)

Gene: SIX3 (SIX homeobox 3; plus strand). Cytogenetic location: 2p21.
Variant type: single nucleotide variant.
Coding change: c.890C>T on transcript NM_005413.4 (MANE Select); coding-DNA position 890, C replaced by T.
Protein change: p.Pro297Leu; replaces proline 297 with leucine.
Molecular consequence: missense variant.
Genome position (GRCh38, 1-based): chr2:44,944,651, C>T. VCF-style: chr2-44944651-C-T. GRCh37 (hg19) VCF-style: chr2-45171790-C-T.
Other names: short protein forms P297L.
Identifiers: ClinVar variation 2734183 (VCV002734183.3), dbSNP rs780942050, ClinGen allele CA1642412.

ClinVar aggregate classification (germline): Uncertain significance (1 of 4 stars; one submission).

Conditions:
Holoprosencephaly 2 (HPE2). Identifiers: Orphanet 2162, MedGen C1834877, MONDO:0007999, OMIM 157170.

Allele frequency attached by ClinVar (database versions not stated): gnomAD 0.00001; TOPMed 0.00001; ExAC 0.00005.
gnomAD v4.1: 5 of 1,575,322 alleles (0.00032%); highest among the groups gnomAD compares: Admixed American, 0.0052%; no homozygotes.

Submission:

Labcorp Genetics (formerly Invitae), Labcorp
Classification: Uncertain significance for Holoprosencephaly 2. Last evaluated: 2023-04-17. Review status: criteria provided, single submitter. Criteria: Invitae Variant Classification Sherloc (09022015). Collection method: clinical testing. Allele origin: germline.
Comment: In summary, the available evidence is currently insufficient to determine the role of this variant in disease. Therefore, it has been classified as a Variant of Uncertain Significance. Experimental studies are conflicting or provide insufficient evidence to determine the effect of this variant on SIX3 function (PMID: 19346217). Advanced modeling of protein sequence and biophysical properties (such as structural, functional, and spatial information, amino acid conservation, physicochemical variation, residue mobility, and thermodynamic stability) performed at Invitae indicates that this missense variant is not expected to disrupt SIX3 protein function. This missense change has been observed in individual(s) with SIX3-related conditions (PMID: 18791198). This variant is present in population databases (rs780942050, gnomAD 0.01%). This sequence change replaces proline, which is neutral and non-polar, with leucine, which is neutral and non-polar, at codon 297 of the SIX3 protein (p.Pro297Leu).

Literature cited by the submitters: PubMed 19346217; PubMed 18791198.